The following is an entry in ClinVar:

ClinVar aggregate classification (germline): Conflicting classifications of pathogenicity. Review status: criteria provided, conflicting classifications (1 of 4 stars). 4 submissions from 4 submitters: Uncertain significance (3); Likely benign (1). Last evaluated 2025-12-09.

Conditions:
Autosomal recessive nonsyndromic hearing loss 97. Also called: Deafness, autosomal recessive 97. Identifiers: Orphanet 90636, MedGen C4084709, MONDO:0014739, OMIM 616705.
Osteofibrous dysplasia (OSFD). Also called: Tibia, bowing of, with pseudarthrosis and pectus excavatum. Identifiers: Orphanet 488265, MedGen C4085248, MONDO:0011806, OMIM 607278.
Hepatocellular carcinoma (HCC). Also called: Primary carcinoma of liver; HEPATOMA; LIVER CELL CARCINOMA. Identifiers: Orphanet 88673, MedGen C2239176, MONDO:0007256, OMIM 114550, HP:0001402.
Papillary renal cell carcinoma type 1 (RCCP1). Also called: RENAL CELL CARCINOMA, PAPILLARY, 1, SOMATIC; Renal adenocarcinoma; Renal cell carcinoma 1; Renal cell carcinoma, somatic. Identifiers: Orphanet 47044, MedGen C1336839, OMIM 605074, HP:0011797.
Renal cell carcinoma. Identifiers: Orphanet 217071, MedGen C0007134, MeSH D002292, MONDO:0005086, HP:0005584.
Hereditary cancer-predisposing syndrome. Also called: Hereditary Cancer Syndrome; Neoplastic Syndromes, Hereditary; Tumor predisposition; Hereditary neoplastic syndrome. Identifiers: Orphanet 140162, MedGen C0027672, MeSH D009386, MONDO:0015356.

Allele frequency attached by ClinVar (database versions not stated): ExAC 0.00001; gnomAD 0.00001; gnomAD exomes 0.00002 and 0.00005; TOPMed 0.00002.
gnomAD v4.1: 81 of 1,614,028 alleles (0.005%); highest among the groups gnomAD compares: Non-Finnish European, 0.0058%; no homozygotes.

Submissions (4):

Labcorp Genetics (formerly Invitae), Labcorp
Classification: Uncertain significance for Renal cell carcinoma. Last evaluated: 2025-12-09. Review status: criteria provided, single submitter. Criteria: Invitae Variant Classification Sherloc (09022015). Collection method: clinical testing. Allele origin: germline.
Comment: This sequence change replaces isoleucine, which is neutral and non-polar, with valine, which is neutral and non-polar, at codon 446 of the MET protein (p.Ile446Val). This variant is present in population databases (rs779022887, gnomAD 0.003%). This variant has not been reported in the literature in individuals affected with MET-related conditions. ClinVar contains an entry for this variant (Variation ID: 252899). Invitae Evidence Modeling of protein sequence and biophysical properties (such as structural, functional, and spatial information, amino acid conservation, physicochemical variation, residue mobility, and thermodynamic stability) indicates that this missense variant is not expected to disrupt MET protein function with a negative predictive value of 80%. In summary, the available evidence is currently insufficient to determine the role of this variant in disease. Therefore, it has been classified as a Variant of Uncertain Significance.

Fulgent Genetics
Classification: Uncertain significance for Hepatocellular carcinoma; Papillary renal cell carcinoma type 1; Osteofibrous dysplasia; Autosomal recessive nonsyndromic hearing loss 97. Last evaluated: 2022-05-02. Review status: criteria provided, single submitter. Criteria: ACMG Guidelines, 2015. Collection method: clinical testing. Allele origin: unknown.

ARUP Laboratories, Molecular Genetics and Genomics, ARUP Laboratories
Classification: Uncertain significance. Last evaluated: 2022-04-19. Review status: criteria provided, single submitter. Criteria: ARUP Molecular Germline Variant Investigation Process 2021. Collection method: clinical testing. Allele origin: germline.
Comment: The MET c.1336A>G; p.Ile446Val variant (rs779022887), to our knowledge, is not reported in the medical literature but is reported in ClinVar (Variation ID: 252899). The variant is found in the non-Finnish European population with an allele frequency of 0.0035% (4/113,220 alleles) in the Genome Aggregation Database. The isoleucine at codon 446 is moderately conserved, and computational analyses are uncertain whether this variant is neutral or deleterious (REVEL: 0.206). Due to limited information, the clinical significance of the p.Ile446Val variant is uncertain at this time.

Ambry Genetics
Classification: Likely benign for Hereditary cancer-predisposing syndrome. Last evaluated: 2021-07-26. Review status: criteria provided, single submitter. Criteria: Ambry Variant Classification Scheme 2023. Collection method: clinical testing. Allele origin: germline.

Literature cited by the submitters: PubMed 32830346 (cited by Ambry Genetics).

NM_000245.4(MET):c.1336A>G (p.Ile446Val)

Gene: MET (MET proto-oncogene, receptor tyrosine kinase; plus strand). Cytogenetic location: 7q31.2.
Variant type: single nucleotide variant.
Coding change: c.1336A>G on transcript NM_000245.4 (MANE Select); coding-DNA position 1336, A replaced by G.
Protein change: p.Ile446Val; replaces isoleucine 446 with valine.
Molecular consequence: missense variant.
Genome position (GRCh38, 1-based): chr7:116,731,803, A>G. VCF-style: chr7-116731803-A-G. GRCh37 (hg19) VCF-style: chr7-116371857-A-G.
Other names: c.1336A>G, p.Ile446Val (NM_001127500.3, NM_001324401.3); c.46A>G, p.Ile16Val (NM_001324402.2); short protein forms I446V, I16V.
Identifiers: ClinVar variation 252899 (VCV000252899.18), dbSNP rs779022887, ClinGen allele CA4448135.
Genomic context (GRCh38, chr7:116,731,803, plus strand): 5'-CGCGTTGACTTATTCATGGGTCAATTCAGCGAAGTCCTCTTAACATCTATATCCACCTTC[A>G]TTAAAGGAGACCTCACCATAGCTAATCTTGGGACATCAGAGGGTCGCTTCATGCAGGTAA-3'
Protein context (NP_000236.2, residues 436-456): EVLLTSISTF[Ile446Val]KGDLTIANLG